The following is an entry in ClinVar:

NM_000238.4(KCNH2):c.1330G>A (p.Glu444Lys)

Gene: KCNH2 (potassium voltage-gated channel subfamily H member 2; minus strand). Cytogenetic location: 7q36.1.
Variant type: single nucleotide variant.
Coding change: c.1330G>A on transcript NM_000238.4 (MANE Select); coding-DNA position 1330, G replaced by A.
Protein change: p.Glu444Lys; replaces glutamic acid 444 with lysine.
Molecular consequence: missense variant.
Genome position (GRCh38, 1-based): chr7:150,952,652, C>T on the plus strand (G>A on the coding strand, the complement: KCNH2 is on the minus strand). VCF-style: chr7-150952652-C-T. GRCh37 (hg19) VCF-style: chr7-150649740-C-T.
Other names: c.310G>A, p.Glu104Lys (NM_001204798.2, NM_172057.3); c.1042G>A, p.Glu348Lys (NM_001406753.1, NM_001406756.1); c.1153G>A, p.Glu385Lys (NM_001406755.1); c.1030G>A, p.Glu344Lys (NM_001406757.1); c.1330G>A, p.Glu444Lys (NM_172056.3); c.1330G>A (NM_000238.2); short protein forms E104K, E444K, E344K, E348K, E385K.
Identifiers: ClinVar variation 191472 (VCV000191472.23), dbSNP rs201268831, ClinGen allele CA004478.

ClinVar aggregate classification (germline): Uncertain significance. Review status: criteria provided, multiple submitters, no conflicts (2 of 4 stars). 8 submissions from 8 submitters: Uncertain significance (8). Last evaluated 2025-06-24.

Conditions:
Cardiovascular phenotype. Identifiers: MedGen CN230736.
Cardiac arrhythmia. Also called: Arrhythmia; Cardiac rhythm disease. Identifiers: MedGen C0003811, MONDO:0007263, HP:0011675.
Long QT syndrome (LQTS). Identifiers: MedGen C0023976, MeSH D008133, MONDO:0002442. Disease mechanism: loss of function. Inheritance: Various modes of inheritance.
Long QT syndrome 2 (LQT2). Identifiers: Orphanet 101016, Orphanet 768, MedGen C3150943, MONDO:0013367, OMIM 613688.

Allele frequency attached by ClinVar (database versions not stated): gnomAD 0.00001; gnomAD exomes 0.00001; TOPMed 0.00002.
gnomAD v4.1: 16 of 1,614,082 alleles (0.00099%); highest among the groups gnomAD compares: African/African-American, 0.0053%; no homozygotes.

Submissions (8):

Color Diagnostics, LLC DBA Color Health
Classification: Uncertain significance for Cardiac arrhythmia. Last evaluated: 2025-06-24. Review status: criteria provided, single submitter. Criteria: ACMG Guidelines, 2015. Collection method: clinical testing. Allele origin: germline.
Comment: This missense variant replaces glutamic acid with lysine at codon 444 of the KCNH2 protein. Computational prediction tool is inconclusive regarding the impact of this variant on protein structure and function. An experimental functional study has shown that this variant may affect the potassium channel function (PMID: 22402074). This variant has been reported in an individual affected with atrial fibrillation (PMID: 22402074). This variant has been identified in 3/251470 chromosomes in the general population by the Genome Aggregation Database (gnomAD). The available evidence is insufficient to determine the role of this variant in disease conclusively. Therefore, this variant is classified as a Variant of Uncertain Significance.

Blueprint Genetics
Classification: Uncertain significance. Last evaluated: 2024-10-17. Review status: criteria provided, single submitter. Criteria: ACMG Guidelines, 2015. Collection method: clinical testing. Allele origin: germline.

Labcorp Genetics (formerly Invitae), Labcorp
Classification: Uncertain significance for Long QT syndrome. Last evaluated: 2024-08-15. Review status: criteria provided, single submitter. Criteria: Invitae Variant Classification Sherloc (09022015). Collection method: clinical testing. Allele origin: germline.
Comment: This sequence change replaces glutamic acid, which is acidic and polar, with lysine, which is basic and polar, at codon 444 of the KCNH2 protein (p.Glu444Lys). This variant is present in population databases (rs201268831, gnomAD 0.007%). This missense change has been observed in individual(s) with atrial fibrillation (PMID: 22402074). ClinVar contains an entry for this variant (Variation ID: 191472). An algorithm developed to predict the effect of missense changes on protein structure and function (PolyPhen-2) suggests that this variant¬†is likely to be tolerated. In summary, the available evidence is currently insufficient to determine the role of this variant in disease. Therefore, it has been classified as a Variant of Uncertain Significance.

Ambry Genetics
Classification: Uncertain significance for Cardiovascular phenotype. Last evaluated: 2024-07-08. Review status: criteria provided, single submitter. Criteria: Ambry Variant Classification Scheme 2023. Collection method: clinical testing. Allele origin: germline.
Comment: The p.E444K variant (also known as c.1330G>A), located in coding exon 6 of the KCNH2 gene, results from a G to A substitution at nucleotide position 1330. The glutamic acid at codon 444 is replaced by lysine, an amino acid with similar properties. This variant has been detected in a proband with atrial fibrillation, and functional studies suggested this variant may cause a modest reduction in channel current; however, additional evidence is needed to confirm this finding (Mann SA et al. J Am Coll Cardiol, 2012 Mar;59:1017-25). This amino acid position is poorly conserved in available vertebrate species. In addition, the in silico prediction for this alteration is inconclusive. Based on the available evidence, the clinical significance of this variant remains unclear.

All of Us Research Program, National Institutes of Health
Classification: Uncertain significance for Long QT syndrome. Last evaluated: 2023-04-27. Review status: criteria provided, single submitter. Criteria: ACMG Guidelines, 2015. Collection method: clinical testing. Allele origin: germline. Inheritance: Autosomal dominant inheritance. Observed: 1 variant allele, 1 heterozygote.
Comment: This missense variant replaces glutamic acid with lysine at codon 444 of the KCNH2 protein. Computational prediction is inconclusive regarding the impact of this variant on protein structure and function (internally defined REVEL score threshold 0.5 < inconclusive < 0.7, PMID: 27666373). An experimental functional study has shown that this variant may affect the potassium channel function (PMID: 22402074). This variant has been reported in an individual affected with atrial fibrillation (PMID: 22402074). This variant has been identified in 3/251470 chromosomes in the general population by the Genome Aggregation Database (gnomAD). The available evidence is insufficient to determine the role of this variant in disease conclusively. Therefore, this variant is classified as a Variant of Uncertain Significance.

This study involves interpretation of variants in research participants for the purpose of population health screening. Participant phenotype was not available at the time of variant classification. Additional details can be found in publication PMID: 35346344, PMCID: PMC8962531

GeneDx
Classification: Uncertain significance. Last evaluated: 2022-12-09. Review status: criteria provided, single submitter. Criteria: GeneDx Variant Classification Process June 2021. Collection method: clinical testing. Allele origin: germline. Affected: yes.
Comment: Identified in a patient with atrial fibrillation who harbored other variants in the KCNE1, KCNE4, and KCNK3 genes (Mann et al., 2012; Liang et al., 2014); Not observed at significant frequency in large population cohorts (gnomAD); Patch clamp studies in Chinese hamster ovary cells indicate a potential loss of function effect (Mann et al., 2012); In silico analysis supports that this missense variant does not alter protein structure/function; This variant is associated with the following publications: (PMID: 22402074, 24374141)

Illumina Laboratory Services, Illumina
Classification: Uncertain significance for Long QT syndrome 2. Last evaluated: 2017-04-27. Review status: criteria provided, single submitter. Criteria: ICSL Variant Classification Criteria 13 December 2019. Collection method: clinical testing. Allele origin: germline.
Comment: This variant was observed as part of a predisposition screen in an ostensibly healthy population. A literature search was performed for the gene, cDNA change, and amino acid change (where applicable). Publications were found based on this search. However, the evidence from the literature, in combination with allele frequency data from public databases where available, was not sufficient to rule this variant in or out of causing disease. Therefore, this variant is classified as a variant of unknown significance.

Biesecker Lab/Clinical Genomics Section, National Institutes of Health
Classification: Uncertain significance. Last evaluated: 2013-06-24. Review status: criteria provided, single submitter. Criteria: Ng et al. (Circ Cardiovasc Genet. 2013). Collection method: research. Allele origin: unknown. Observed: 1 variant allele. Study: ClinSeq.
Comment: The study set was not selected for affection status in relation to any cancer. Pathogenicity categories were based on literature curation. See Pubmed ID:23861362 for details.

Medical sequencing

Literature cited by the submitters: PubMed 22402074 (cited by 4 submitters); PubMed 23861362 (cited by Illumina Laboratory Services, Illumina).